The following is an entry in ClinVar:

NM_014339.7(IL17RA):c.758C>T (p.Pro253Leu)

Gene: IL17RA (interleukin 17 receptor A; plus strand). Cytogenetic location: 22q11.1.
Variant type: single nucleotide variant.
Coding change: c.758C>T on transcript NM_014339.7 (MANE Select); coding-DNA position 758, C replaced by T.
Protein change: p.Pro253Leu; replaces proline 253 with leucine.
Molecular consequence: missense variant.
Genome position (GRCh38, 1-based): chr22:17,102,298, C>T. VCF-style: chr22-17102298-C-T. GRCh37 (hg19) VCF-style: chr22-17583188-C-T.
Other names: c.758C>T, p.Pro253Leu (NM_001289905.2); c.758C>T (NM_014339.5); short protein forms P253L.
Identifiers: ClinVar variation 896445 (VCV000896445.14), dbSNP rs779662031, ClinGen allele CA10086466.

ClinVar aggregate classification (germline): Uncertain significance. Review status: criteria provided, multiple submitters, no conflicts (2 of 4 stars). 4 submissions from 4 submitters: Uncertain significance (4). Last evaluated 2023-04-13.

Conditions:
Immunodeficiency 51 (IMD51). Also called: CANDIDIASIS, FAMILIAL, 5. Identifiers: Orphanet 1334, MedGen C4310803, MONDO:0013500, OMIM 613953.

Allele frequency attached by ClinVar (database versions not stated): ExAC 0.00001; gnomAD exomes 0.00001; TOPMed 0.00001; gnomAD 0.00002.
gnomAD v4.1: 9 of 1,614,050 alleles (0.00056%); highest among the groups gnomAD compares: Non-Finnish European, 0.00068%; no homozygotes.

Submissions (4):

Ambry Genetics
Classification: Uncertain significance. Last evaluated: 2023-04-13. Review status: criteria provided, single submitter. Criteria: Ambry Variant Classification Scheme 2023. Collection method: clinical testing. Allele origin: germline.

Labcorp Genetics (formerly Invitae), Labcorp
Classification: Uncertain significance for Immunodeficiency 51. Last evaluated: 2022-08-15. Review status: criteria provided, single submitter. Criteria: Invitae Variant Classification Sherloc (09022015). Collection method: clinical testing. Allele origin: germline.
Comment: This sequence change replaces proline, which is neutral and non-polar, with leucine, which is neutral and non-polar, at codon 253 of the IL17RA protein (p.Pro253Leu). This variant is present in population databases (rs779662031, gnomAD 0.003%). This variant has not been reported in the literature in individuals affected with IL17RA-related conditions. ClinVar contains an entry for this variant (Variation ID: 896445). Algorithms developed to predict the effect of missense changes on protein structure and function output the following: SIFT: "Tolerated"; PolyPhen-2: "Benign"; Align-GVGD: "Class C0". The leucine amino acid residue is found in multiple mammalian species, which suggests that this missense change does not adversely affect protein function. In summary, the available evidence is currently insufficient to determine the role of this variant in disease. Therefore, it has been classified as a Variant of Uncertain Significance.

Illumina Laboratory Services, Illumina
Classification: Uncertain significance for Immunodeficiency 51. Last evaluated: 2018-01-13. Review status: criteria provided, single submitter. Criteria: ICSL Variant Classification Criteria 13 December 2019. Collection method: clinical testing. Allele origin: germline.

Breakthrough Genomics
Classification: Uncertain significance. Review status: criteria provided, single submitter. Criteria: ACMG Guidelines, 2015. Collection method: not provided. Allele origin: germline. Inheritance: Autosomal dominant inheritance. Affected: yes.